The following is an entry in ClinVar:

ClinVar aggregate classification (germline): Conflicting classifications of pathogenicity. Review status: criteria provided, conflicting classifications (1 of 4 stars). 2 submissions from 2 submitters: Uncertain significance (1); Likely benign (1). Last evaluated 2025-12-17.

Allele frequency attached by ClinVar (database versions not stated): TOPMed 0.00010; gnomAD 0.00014; 1000 Genomes Project 30x 0.00016; gnomAD exomes 0.00026.
gnomAD v4.1: 403 of 1,600,618 alleles (0.025%); highest among the groups gnomAD compares: Non-Finnish European, 0.032%; no homozygotes.

Submissions (2):

Labcorp Genetics (formerly Invitae), Labcorp
Classification: Uncertain significance. Last evaluated: 2025-12-17. Review status: criteria provided, single submitter. Criteria: Invitae Variant Classification Sherloc (09022015). Collection method: clinical testing. Allele origin: germline.
Comment: This sequence change replaces leucine, which is neutral and non-polar, with valine, which is neutral and non-polar, at codon 872 of the HYOU1 protein (p.Leu872Val). This variant is present in population databases (rs142217566, gnomAD 0.02%). This variant has not been reported in the literature in individuals affected with HYOU1-related conditions. ClinVar contains an entry for this variant (Variation ID: 1437692). An algorithm developed to predict the effect of missense changes on protein structure and function outputs the following: PolyPhen-2: "Benign". The valine amino acid residue is found in multiple mammalian species, which suggests that this missense change does not adversely affect protein function. In summary, the available evidence is currently insufficient to determine the role of this variant in disease. Therefore, it has been classified as a Variant of Uncertain Significance.

Ambry Genetics
Classification: Likely benign. Last evaluated: 2021-09-16. Review status: criteria provided, single submitter. Criteria: Ambry Variant Classification Scheme 2023. Collection method: clinical testing. Allele origin: germline.

NM_006389.5(HYOU1):c.2614C>G (p.Leu872Val)

Gene: HYOU1 (hypoxia up-regulated 1; minus strand). Cytogenetic location: 11q23.3.
Variant type: single nucleotide variant.
Coding change: c.2614C>G on transcript NM_006389.5 (MANE Select); coding-DNA position 2614, C replaced by G.
Protein change: p.Leu872Val; replaces leucine 872 with valine.
Molecular consequence: missense variant.
Genome position (GRCh38, 1-based): chr11:119,046,784, G>C on the plus strand (C>G on the coding strand, the complement: HYOU1 is on the minus strand). VCF-style: chr11-119046784-G-C. GRCh37 (hg19) VCF-style: chr11-118917496-G-C.
Other names: c.2614C>G, p.Leu872Val (NM_001130991.3); c.2614C>G (NM_006389.3); short protein forms L872V.
Identifiers: ClinVar variation 1437692 (VCV001437692.7), dbSNP rs142217566, ClinGen allele CA229617134.